The following is an entry in ClinVar:

NM_001242896.3(DEPDC5):c.4367T>C (p.Leu1456Pro)

Gene: DEPDC5 (DEP domain containing 5, GATOR1 subcomplex subunit; plus strand). Cytogenetic location: 22q12.3.
Variant type: single nucleotide variant.
Coding change: c.4367T>C on transcript NM_001242896.3 (MANE Select); coding-DNA position 4367, T replaced by C.
Protein change: p.Leu1456Pro; replaces leucine 1456 with proline.
Molecular consequence: missense variant. On other transcripts: non-coding transcript variant (5).
Genome position (GRCh38, 1-based): chr22:31,897,645, T>C. VCF-style: chr22-31897645-T-C. GRCh37 (hg19) VCF-style: chr22-32293631-T-C.
Other names: c.4340T>C, p.Leu1447Pro (NM_001136029.4); c.4067T>C, p.Leu1356Pro (NM_001242897.2); c.4301T>C, p.Leu1434Pro (NM_001363852.2, NM_001364320.2); c.4133T>C, p.Leu1378Pro (NM_001363854.2, NM_001364319.2); c.4367T>C, p.Leu1456Pro (NM_001364318.2); c.4283T>C, p.Leu1428Pro (NM_001369901.1, NM_001369902.1); c.4274T>C, p.Leu1425Pro (NM_001369903.1, NM_014662.6); short protein forms L1356P, L1378P, L1425P, L1428P, L1434P, L1447P, L1456P.
Identifiers: ClinVar variation 1006041 (VCV001006041.8), dbSNP rs1362296192, ClinGen allele CA411289215.

ClinVar aggregate classification (germline): Uncertain significance (1 of 4 stars; one submission).

Conditions:
Familial focal epilepsy with variable foci (FPEVF). Identifiers: Orphanet 98820, MedGen C1858477, MONDO:0020310.

Allele frequency attached by ClinVar (database versions not stated): gnomAD exomes below 0.00001.
gnomAD v4.1: 2 of 1,613,908 alleles (0.00012%); highest among the groups gnomAD compares: African/African-American, 0.0013%; no homozygotes.

Submission:

Labcorp Genetics (formerly Invitae), Labcorp
Classification: Uncertain significance for Familial focal epilepsy with variable foci. Last evaluated: 2020-09-24. Review status: criteria provided, single submitter. Criteria: Invitae Variant Classification Sherloc (09022015). Collection method: clinical testing. Allele origin: germline.
Comment: This sequence change replaces leucine with proline at codon 1456 of the DEPDC5 protein (p.Leu1456Pro). The leucine residue is highly conserved and there is a moderate physicochemical difference between leucine and proline. This variant is not present in population databases (ExAC no frequency). This variant has not been reported in the literature in individuals with DEPDC5-related conditions. Algorithms developed to predict the effect of missense changes on protein structure and function are either unavailable or do not agree on the potential impact of this missense change (SIFT: "Deleterious"; PolyPhen-2: "Not Available"; Align-GVGD: "Class C65"). In summary, the available evidence is currently insufficient to determine the role of this variant in disease. Therefore, it has been classified as a Variant of Uncertain Significance.